The following is an entry in ClinVar:

ClinVar aggregate classification (germline): Likely pathogenic (1 of 4 stars; one submission).

Conditions:
Danon disease. Also called: PSEUDOGLYCOGENOSIS II; Glycogen Storage Disease Type IIb; ANTOPOL DISEASE; GSD IIb; LYSOSOMAL GLYCOGEN STORAGE DISEASE WITHOUT ACID MALTASE DEFICIENCY. Identifiers: Orphanet 34587, MedGen C0878677, MONDO:0010281, OMIM 300257.

Submission:

Laboratory for Molecular Medicine, Mass General Brigham Personalized Medicine
Classification: Likely pathogenic for Danon disease. Last evaluated: 2014-03-24. Review status: criteria provided, single submitter. Criteria: LMM Criteria. Collection method: clinical testing. Allele origin: germline. Inheritance: X-linked inheritance. Observed: 1 variant allele.
Comment: The c.(?_929)_(1233_?)del variant in LAMP2 has not been previously reported in i ndividuals with cardiomyopathy or Danon disease. This variant results in a delet ion encompassing two exons and is predicted to result in shortened or absent pro tein. Large deletions encompassing one or more exons have been identified in mul tiple cases of Danon disease (Yang 2010, Boucek 2011) and loss-of-function is an established disease mechanism. In summary, this deletion is likely pathogenic f or Danon disease, though additional studies are needed to fully establish the cl inical significance of this variant.

Literature cited by the submitters: PubMed 21415759; PubMed 20173215; PubMed 10972294; PubMed 16190986.

NM_002294.2(LAMP2):c.(?_929)_(1233_?)del

Gene: LAMP2 (lysosome associated membrane protein 2; minus strand). Cytogenetic location: Xq24.
Variant type: Deletion.
Coding change: c.(?_929)_(1233_?)del on transcript NM_002294.2; a large deletion whose breakpoints are not mapped to the base.
Other names: c.(?_929)_(1233_?)del (NM_002294.2, LRG_749t1).
Identifiers: ClinVar variation 179651 (VCV000179651.4).